The following is an entry in ClinVar:

ClinVar aggregate classification (germline): Uncertain significance (1 of 4 stars; one submission).

Submission:

Labcorp Genetics (formerly Invitae), Labcorp
Classification: Uncertain significance. Last evaluated: 2025-02-15. Review status: criteria provided, single submitter. Criteria: Invitae Variant Classification Sherloc (09022015). Collection method: clinical testing. Allele origin: germline.
Comment: This sequence change replaces valine, which is neutral and non-polar, with leucine, which is neutral and non-polar, at codon 370 of the CACNA2D4 protein (p.Val370Leu). This variant is not present in population databases (gnomAD no frequency). This variant has not been reported in the literature in individuals affected with CACNA2D4-related conditions. An algorithm developed to predict the effect of missense changes on protein structure and function (PolyPhen-2) suggests that this variant is likely to be tolerated. In summary, the available evidence is currently insufficient to determine the role of this variant in disease. Therefore, it has been classified as a Variant of Uncertain Significance.

NM_172364.5(CACNA2D4):c.1108G>T (p.Val370Leu)

Gene: CACNA2D4 (calcium voltage-gated channel auxiliary subunit alpha2delta 4; minus strand). Cytogenetic location: 12p13.33.
Variant type: single nucleotide variant.
Coding change: c.1108G>T on transcript NM_172364.5 (MANE Select); coding-DNA position 1108, G replaced by T.
Protein change: p.Val370Leu; replaces valine 370 with leucine.
Molecular consequence: missense variant.
Genome position (GRCh38, 1-based): chr12:1,885,037, C>A on the plus strand (G>T on the coding strand, the complement: CACNA2D4 is on the minus strand). VCF-style: chr12-1885037-C-A. GRCh37 (hg19) VCF-style: chr12-1994203-C-A.
Other names: short protein forms V370L.
Identifiers: ClinVar variation 4712688 (VCV004712688.1).